The following is an entry in ClinVar:

NM_001134363.3(RBM20):c.1309G>A (p.Ala437Thr)

Gene: RBM20 (RNA binding motif protein 20; plus strand). Cytogenetic location: 10q25.2.
Variant type: single nucleotide variant.
Coding change: c.1309G>A on transcript NM_001134363.3 (MANE Select); coding-DNA position 1309, G replaced by A.
Protein change: p.Ala437Thr; replaces alanine 437 with threonine.
Molecular consequence: missense variant.
Genome position (GRCh38, 1-based): chr10:110,783,399, G>A. VCF-style: chr10-110783399-G-A. GRCh37 (hg19) VCF-style: chr10-112543157-G-A.
Other names: c.1309G>A (NM_001134363.1); short protein forms A437T.
Identifiers: ClinVar variation 851771 (VCV000851771.11), dbSNP rs939425427, ClinGen allele CA213235869.

ClinVar aggregate classification (germline): Conflicting classifications of pathogenicity. Review status: criteria provided, conflicting classifications (1 of 4 stars). 2 submissions from 2 submitters: Uncertain significance (1); Likely benign (1). Last evaluated 2026-01-25.

Conditions:
Cardiovascular phenotype. Identifiers: MedGen CN230736.
Dilated cardiomyopathy 1DD (CMD1DD). Identifiers: Orphanet 154, MedGen C2750995, MONDO:0013168, OMIM 613172.

Allele frequency attached by ClinVar (database versions not stated): gnomAD 0.00001; TOPMed 0.00001.
gnomAD v4.1: 14 of 1,551,324 alleles (0.0009%); highest among the groups gnomAD compares: East Asian, 0.0024%; no homozygotes.

Submissions (2):

Ambry Genetics
Classification: Uncertain significance for Cardiovascular phenotype. Last evaluated: 2026-01-25. Review status: criteria provided, single submitter. Criteria: Ambry Variant Classification Scheme 2023. Collection method: clinical testing. Allele origin: germline.
Comment: The p.A437T variant (also known as c.1309G>A), located in coding exon 3 of the RBM20 gene, results from a G to A substitution at nucleotide position 1309. The alanine at codon 437 is replaced by threonine, an amino acid with similar properties. This amino acid position is conserved. In addition, this alteration is predicted to be tolerated by in silico analysis. Based on the available evidence, the clinical significance of this variant remains unclear.

Labcorp Genetics (formerly Invitae), Labcorp
Classification: Likely benign for Dilated cardiomyopathy 1DD. Last evaluated: 2024-03-19. Review status: criteria provided, single submitter. Criteria: Invitae Variant Classification Sherloc (09022015). Collection method: clinical testing. Allele origin: germline.